The following is an entry in ClinVar:

NM_000455.5(STK11):c.1109-16G>T

Gene: STK11 (serine/threonine kinase 11; plus strand). Cytogenetic location: 19p13.3.
Variant type: single nucleotide variant.
Coding change: c.1109-16G>T on transcript NM_000455.5 (MANE Select); 16 bases into the intron before coding-DNA position 1109, G replaced by T.
Molecular consequence: intron variant.
Genome position (GRCh38, 1-based): chr19:1,226,438, G>T. VCF-style: chr19-1226438-G-T. GRCh37 (hg19) VCF-style: chr19-1226437-G-T.
Identifiers: ClinVar variation 3903948 (VCV003903948.1).

ClinVar aggregate classification (germline): Likely benign (1 of 4 stars; one submission).

Conditions:
Peutz-Jeghers syndrome (PJS). Also called: POLYPOSIS, HAMARTOMATOUS INTESTINAL; POLYPS-AND-SPOTS SYNDROME; Peutz-Jeghers polyposis; Periorificial lentiginosis syndrome. Identifiers: Orphanet 2869, MedGen C0031269, MeSH D010580, MONDO:0008280, OMIM 175200.

Submission:

Myriad Genetics, Inc.
Classification: Likely benign for Peutz-Jeghers syndrome. Last evaluated: 2025-03-28. Review status: criteria provided, single submitter. Criteria: Myriad Autosomal Dominant, Autosomal Recessive and X-Linked Classification Criteria (2023). Collection method: clinical testing. Allele origin: unknown.
Comment: This variant is considered likely benign. This variant is intronic and is not expected to impact mRNA splicing.